The following is an entry in ClinVar:

NM_001875.5(CPS1):c.927C>T (p.Tyr309=)

Gene: CPS1 (carbamoyl-phosphate synthase 1; plus strand). Cytogenetic location: 2q34.
Variant type: single nucleotide variant.
Coding change: c.927C>T on transcript NM_001875.5 (MANE Select); coding-DNA position 927, C replaced by T.
Protein change: p.Tyr309=; no amino-acid change (tyrosine 309 retained).
Molecular consequence: synonymous variant. On other transcripts: non-coding transcript variant (1).
Genome position (GRCh38, 1-based): chr2:210,590,886, C>T. VCF-style: chr2-210590886-C-T. GRCh37 (hg19) VCF-style: chr2-211455610-C-T.
Other names: c.927C>T, p.Tyr309= (NM_001122633.3, NM_001369257.1); c.960C>T, p.Tyr320= (NM_001369256.1); c.927C>T (LRG_336t1).
Identifiers: ClinVar variation 511480 (VCV000511480.4), dbSNP rs1553511083, ClinGen allele CA431011356.

ClinVar aggregate classification (germline): Likely benign. Review status: criteria provided, multiple submitters, no conflicts (2 of 4 stars). 2 submissions from 2 submitters: Likely benign (2). Last evaluated 2023-07-16.

Conditions:
Congenital hyperammonemia, type I. Also called: Carbamoyl-phosphate synthase I deficiency; CPS I DEFICIENCY; Carbamoyl phosphate synthetase 1 deficiency; Hyperammonemia due to carbamoyl phosphate synthetase 1 deficiency; CPS 1 deficiency; Carbamyl phosphate synthetase (CPS) deficiency. Identifiers: Orphanet 147, MedGen C4082171, MONDO:0009376, OMIM 237300.

Allele frequency attached by ClinVar (database versions not stated): TOPMed below 0.00001.
gnomAD v4.1: 1 of 1,611,208 alleles (0.000062%); no homozygotes.

Submissions (2):

Labcorp Genetics (formerly Invitae), Labcorp
Classification: Likely benign for Congenital hyperammonemia, type I. Last evaluated: 2023-07-16. Review status: criteria provided, single submitter. Criteria: Invitae Variant Classification Sherloc (09022015). Collection method: clinical testing. Allele origin: germline.

GeneDx
Classification: Likely benign. Last evaluated: 2017-08-31. Review status: criteria provided, single submitter. Criteria: GeneDx Variant Classification (06012015). Collection method: clinical testing. Allele origin: germline. Affected: yes.
Comment: This variant is considered likely benign or benign based on one or more of the following criteria: it is a conservative change, it occurs at a poorly conserved position in the protein, it is predicted to be benign by multiple in silico algorithms, and/or has population frequency not consistent with disease.